The following is an entry in ClinVar:

NM_000540.3(RYR1):c.6274+4A>C

Gene: RYR1 (ryanodine receptor 1; plus strand). Cytogenetic location: 19q13.2.
Variant type: single nucleotide variant.
Coding change: c.6274+4A>C on transcript NM_000540.3 (MANE Select); 4 bases into the intron after coding-DNA position 6274, A replaced by C.
Molecular consequence: intron variant.
Genome position (GRCh38, 1-based): chr19:38,492,640, A>C. VCF-style: chr19-38492640-A-C. GRCh37 (hg19) VCF-style: chr19-38983280-A-C.
Other names: c.6274+4A>C (NM_001042723.2).
Identifiers: ClinVar variation 2168349 (VCV002168349.4), dbSNP rs1402529577, ClinGen allele CA632873236.

ClinVar aggregate classification (germline): Uncertain significance (1 of 4 stars; one submission).

Conditions:
RYR1-related disorder. Also called: RYR1-related condition; RYR1-related disorders. Identifiers: MedGen CN239331.

Allele frequency attached by ClinVar (database versions not stated): gnomAD exomes below 0.00001; gnomAD 0.00001.
gnomAD v4.1: 3 of 1,352,902 alleles (0.00022%); highest among the groups gnomAD compares: East Asian, 0.011%; no homozygotes.

Submission:

Labcorp Genetics (formerly Invitae), Labcorp
Classification: Uncertain significance for RYR1-related disorder. Last evaluated: 2021-12-24. Review status: criteria provided, single submitter. Criteria: Invitae Variant Classification Sherloc (09022015). Collection method: clinical testing. Allele origin: germline.
Comment: This sequence change falls in intron 38 of the RYR1 gene. It does not directly change the encoded amino acid sequence of the RYR1 protein. It affects a nucleotide within the consensus splice site. This variant is present in population databases (no rsID available, gnomAD 0.06%). This variant has not been reported in the literature in individuals affected with RYR1-related conditions. Variants that disrupt the consensus splice site are a relatively common cause of aberrant splicing (PMID: 17576681, 9536098). Algorithms developed to predict the effect of sequence changes on RNA splicing suggest that this variant may disrupt the consensus splice site. In summary, the available evidence is currently insufficient to determine the role of this variant in disease. Therefore, it has been classified as a Variant of Uncertain Significance.

Literature cited by the submitters: PubMed 17576681; PubMed 9536098.